The following is an entry in ClinVar:

NM_000051.4(ATM):c.6433_6445del (p.Glu2145fs)

Genes: ATM (ATM serine/threonine kinase; plus strand), C11orf65 (chromosome 11 open reading frame 65; minus strand). Cytogenetic location: 11q22.3.
Variant type: Deletion.
Coding change: c.6433_6445del on transcript NM_000051.4 (MANE Select); coding-DNA positions 6433 to 6445, 13 bases deleted (GAAAGTCTCAAAT).
Protein change: p.Glu2145fs; shifts the reading frame from glutamic acid 2145.
Molecular consequence: frameshift variant. On other transcripts: intron variant (2).
Genome position (GRCh38, 1-based): chr11:108,320,039-108,320,051, GAAAGTCTCAAAT deleted; deleting any 13 consecutive bases within chr11:108,320,037-108,320,051 gives the same sequence; the c. name uses the placement nearest the transcript's 3' end. VCF-style (leftmost placement, unchanged base first): chr11-108320036-TATGAAAGTCTCAA-T. GRCh37 (hg19) VCF-style: chr11-108190763-TATGAAAGTCTCAA-T.
Other names: c.6433_6445del13 (NM_000051.3); c.6433_6445del, p.Glu2145fs (NM_001351834.2); c.641-10978_641-10966del (NM_001330368.2); c.*39-10978_*39-10966del (NM_001351110.2); short protein forms E2145fs.
Identifiers: ClinVar variation 185549 (VCV000185549.5), dbSNP rs786202264, ClinGen allele CA192250.

ClinVar aggregate classification (germline): Pathogenic (1 of 4 stars; one submission).

Conditions:
Hereditary cancer-predisposing syndrome. Also called: Hereditary Cancer Syndrome; Tumor predisposition; Neoplastic Syndromes, Hereditary; Hereditary neoplastic syndrome. Identifiers: Orphanet 140162, MedGen C0027672, MeSH D009386, MONDO:0015356.

Submission:

Ambry Genetics
Classification: Pathogenic for Hereditary cancer-predisposing syndrome. Last evaluated: 2014-07-22. Review status: criteria provided, single submitter. Criteria: Ambry Autosomal Dominant and X-Linked criteria (10/2015). Collection method: clinical testing. Allele origin: germline. Observed: 1 variant allele.
Comment: The c.6433_6445del13 pathogenic mutation, located in coding exon 43 of the ATM gene, results from a deletion of 13 nucleotides between nucleotide positions 6433 and 6445, causing a translational frameshift with a predicted alternate stop codon. Since frameshifts are typically deleterious in nature, this alteration is interpreted as a disease-causing mutation (ACMG Recommendations for Standards for Interpretation and Reporting of Sequence Variations. Revision 2007. Genet Med. 2008;10:294).